The following is an entry in ClinVar:

ClinVar aggregate classification (germline): Uncertain significance. Review status: criteria provided, multiple submitters, no conflicts (2 of 4 stars). 3 submissions from 3 submitters: Uncertain significance (3). Last evaluated 2025-10-18.

Conditions:
Cardiovascular phenotype. Identifiers: MedGen CN230736.
Cardiomyopathy (CMYO). Also called: Cardiomyopathies. Identifiers: Orphanet 167848, MedGen C0878544, MONDO:0004994, HP:0001638. Inheritance: Various modes of inheritance.

gnomAD v4.1: 26 of 1,614,148 alleles (0.0016%); highest among the groups gnomAD compares: Non-Finnish European, 0.0021%; no homozygotes.

Submissions (3):

Women's Health and Genetics/Laboratory Corporation of America, LabCorp
Classification: Uncertain significance. Last evaluated: 2025-10-18. Review status: criteria provided, single submitter. Criteria: LabCorp Variant Classification Summary - May 2015. Collection method: clinical testing. Allele origin: germline.

Ambry Genetics
Classification: Uncertain significance for Cardiovascular phenotype. Last evaluated: 2025-09-18. Review status: criteria provided, single submitter. Criteria: Ambry Variant Classification Scheme 2023. Collection method: clinical testing. Allele origin: germline.
Comment: The p.W2717C variant (also known as c.8151G>C), located in coding exon 24 of the DSP gene, results from a G to C substitution at nucleotide position 8151. The tryptophan at codon 2717 is replaced by cysteine, an amino acid with highly dissimilar properties. This amino acid position is conserved. In addition, this alteration is predicted to be deleterious by in silico analysis. Based on the available evidence, the clinical significance of this variant remains unclear.

Color Diagnostics, LLC DBA Color Health
Classification: Uncertain significance for Cardiomyopathy. Last evaluated: 2024-03-07. Review status: criteria provided, single submitter. Criteria: ACMG Guidelines, 2015. Collection method: clinical testing. Allele origin: germline.
Comment: This missense variant replaces tryptophan with cysteine at codon 2717 of the DSP protein. Computational prediction is inconclusive regarding the impact of this variant on protein structure and function (internally defined REVEL score threshold 0.5 < inconclusive < 0.7, PMID: 27666373). To our knowledge, functional studies have not been reported for this variant. This variant has not been reported in individuals affected with DSP-related disorders in the literature. This variant has been identified in 2/251450 chromosomes in the general population by the Genome Aggregation Database (gnomAD). The available evidence is insufficient to determine the role of this variant in disease conclusively. Therefore, this variant is classified as a Variant of Uncertain Significance.

NM_004415.4(DSP):c.8151G>C (p.Trp2717Cys)

Gene: DSP (desmoplakin; plus strand). Cytogenetic location: 6p24.3.
Variant type: single nucleotide variant.
Coding change: c.8151G>C on transcript NM_004415.4 (MANE Select); coding-DNA position 8151, G replaced by C.
Protein change: p.Trp2717Cys; replaces tryptophan 2717 with cysteine.
Molecular consequence: missense variant.
Genome position (GRCh38, 1-based): chr6:7,585,413, G>C. VCF-style: chr6-7585413-G-C. GRCh37 (hg19) VCF-style: chr6-7585646-G-C.
Other names: c.6354G>C, p.Trp2118Cys (NM_001008844.3); c.6822G>C, p.Trp2274Cys (NM_001319034.2); short protein forms W2118C, W2717C, W2274C.
Identifiers: ClinVar variation 2775378 (VCV002775378.4), dbSNP rs1345140217, ClinGen allele CA362694552.